The following is an entry in ClinVar:

NM_000587.4(C7):c.2174T>C (p.Leu725Ser)

Gene: C7 (complement C7; plus strand). Cytogenetic location: 5p13.1.
Variant type: single nucleotide variant.
Coding change: c.2174T>C on transcript NM_000587.4 (MANE Select); coding-DNA position 2174, T replaced by C.
Protein change: p.Leu725Ser; replaces leucine 725 with serine.
Molecular consequence: missense variant.
Genome position (GRCh38, 1-based): chr5:40,979,733, T>C. VCF-style: chr5-40979733-T-C. GRCh37 (hg19) VCF-style: chr5-40979835-T-C.
Other names: short protein forms L725S.
Identifiers: ClinVar variation 1385245 (VCV001385245.6), dbSNP rs2111731631, ClinGen allele CA359594829.
Genomic context (GRCh38, chr5:40,979,733, plus strand): 5'-AGCTTTTACGAACAAAAATCTTGTAAATAATGTCATTAAAAATTCTTTTCAGACCTTCCT[T>C]GGATGTATGTGCTCAAGATGAGAGAAGCAAAAGGATACTGCCTCTGACAGTTTGCAAGAT-3'
Protein context (NP_000578.2, residues 715-735): CKMPYECGPS[Leu725Ser]DVCAQDERSK

ClinVar aggregate classification (germline): Uncertain significance (1 of 4 stars; one submission).

Submission:

Labcorp Genetics (formerly Invitae), Labcorp
Classification: Uncertain significance. Last evaluated: 2021-10-07. Review status: criteria provided, single submitter. Criteria: Invitae Variant Classification Sherloc (09022015). Collection method: clinical testing. Allele origin: germline.
Comment: In summary, the available evidence is currently insufficient to determine the role of this variant in disease. Therefore, it has been classified as a Variant of Uncertain Significance. Algorithms developed to predict the effect of missense changes on protein structure and function are either unavailable or do not agree on the potential impact of this missense change (SIFT: "Deleterious"; PolyPhen-2: "Probably Damaging"; Align-GVGD: "Class C0"). This variant has not been reported in the literature in individuals affected with C7-related conditions. This variant is not present in population databases (ExAC no frequency). This sequence change replaces leucine with serine at codon 725 of the C7 protein (p.Leu725Ser). The leucine residue is highly conserved and there is a large physicochemical difference between leucine and serine.